The following is an entry in ClinVar:

NM_001355436.2(SPTB):c.1305_1306del (p.Glu435fs)

Gene: SPTB (spectrin beta, erythrocytic; minus strand). Cytogenetic location: 14q23.3.
Variant type: Microsatellite.
Coding change: c.1305_1306del on transcript NM_001355436.2 (MANE Select); coding-DNA positions 1305 to 1306, 2 bases deleted (GA; older notation c.1305_1306delGA).
Protein change: p.Glu435fs; shifts the reading frame from glutamic acid 435.
Molecular consequence: frameshift variant.
Genome position (GRCh38, 1-based): chr14:64,796,592-64,796,593, TC deleted on the plus strand (GA on the coding strand, the reverse complement: SPTB is on the minus strand); deleting any 2 consecutive bases within chr14:64,796,592-64,796,599 gives the same sequence; the c. name uses the placement nearest the transcript's 3' end. VCF-style (leftmost placement, unchanged base first): chr14-64796591-GTC-G. GRCh37 (hg19) VCF-style: chr14-65263309-GTC-G.
Other names: c.1305_1306del, p.Glu435fs (NM_001024858.4, NM_001355437.2); short protein forms E435fs.
Identifiers: ClinVar variation 3031486 (VCV003031486.2), dbSNP rs2503180411, ClinGen allele CA2740097104.

ClinVar aggregate classification (germline): Pathogenic (0 of 4 stars; one submission).

Conditions:
SPTB-related disorder. Also called: SPTB-related condition; SPTB-Related Disorders.

Submission:

PreventionGenetics, part of Exact Sciences
Classification: Pathogenic for SPTB-related condition. Last evaluated: 2024-01-03. Review status: no assertion criteria provided. Collection method: clinical testing. Allele origin: germline.
Comment: The SPTB c.1305_1306delGA variant is predicted to result in a frameshift and premature protein termination (p.Glu435Aspfs*5). To our knowledge, this variant has not been reported in the literature or in a large population database, indicating this variant is rare. Frameshift variants in SPTB are expected to be pathogenic. This variant is interpreted as pathogenic.